The following is an entry in ClinVar:

ClinVar aggregate classification (germline): Pathogenic/Likely pathogenic. Review status: criteria provided, multiple submitters, no conflicts (2 of 4 stars). 2 submissions from 2 submitters: Pathogenic (1); Likely pathogenic (1). Last evaluated 2025-05-21.

Conditions:
BAP1-related tumor predisposition syndrome (TPDS1). Also called: BAP1 tumor predisposition syndrome; COMMON Syndrome; Tumor susceptibility linked to germline BAP1 mutations; TUMOR PREDISPOSITION SYNDROME 1. Identifiers: Orphanet 289539, MedGen C3280492, MONDO:0013692, OMIM 614327.

Submissions (2):

Labcorp Genetics (formerly Invitae), Labcorp
Classification: Likely pathogenic for BAP1-related tumor predisposition syndrome. Last evaluated: 2025-05-21. Review status: criteria provided, single submitter. Criteria: Invitae Variant Classification Sherloc (09022015). Collection method: clinical testing. Allele origin: germline.
Comment: This sequence change falls in intron 3 of the BAP1 gene. It does not directly change the encoded amino acid sequence of the BAP1 protein. It affects a nucleotide within the consensus splice site. This variant is not present in population databases (gnomAD no frequency). This variant has not been reported in the literature in individuals affected with BAP1-related conditions. ClinVar contains an entry for this variant (Variation ID: 646584). Variants that disrupt the consensus splice site are a relatively common cause of aberrant splicing (PMID: 17576681, 9536098). Studies have shown that this variant is associated with altered splicing resulting in multiple RNA products (internal data). This variant disrupts the c.122+5G nucleotide in the BAP1 gene. Other variant(s) that disrupt this nucleotide have been determined to be pathogenic (PMID: 31382694). This suggests that this nucleotide is clinically significant, and that variants that disrupt this position are likely to be disease-causing. In summary, the currently available evidence indicates that the variant is pathogenic, but additional data are needed to prove that conclusively. Therefore, this variant has been classified as Likely Pathogenic.

Molecular Pathology, Peter Maccallum Cancer Centre
Classification: Pathogenic for BAP1-related tumor predisposition syndrome. Last evaluated: 2025-02-05. Review status: criteria provided, single submitter. Criteria: ACMG Guidelines, 2015. Collection method: clinical testing. Allele origin: germline. Inheritance: Autosomal dominant inheritance.

Literature cited by the submitters: PubMed 17576681 (cited by Labcorp Genetics (formerly Invitae), Labcorp); PubMed 9536098 (cited by Labcorp Genetics (formerly Invitae), Labcorp); PubMed 31382694 (cited by Labcorp Genetics (formerly Invitae), Labcorp).

NM_004656.4(BAP1):c.122+5G>A

Gene: BAP1 (BRCA1 associated deubiquitinase 1; minus strand). Cytogenetic location: 3p21.1.
Variant type: single nucleotide variant.
Coding change: c.122+5G>A on transcript NM_004656.4 (MANE Select); 5 bases into the intron after coding-DNA position 122, G replaced by A.
Molecular consequence: intron variant.
Genome position (GRCh38, 1-based): chr3:52,409,549, C>T on the plus strand (G>A on the coding strand, the complement: BAP1 is on the minus strand). VCF-style: chr3-52409549-C-T. GRCh37 (hg19) VCF-style: chr3-52443565-C-T.
Identifiers: ClinVar variation 646584 (VCV000646584.7), dbSNP rs1578230320, ClinGen allele CA915942506.
Genomic context (GRCh38, chr3:52,409,549, plus strand): 5'-CTGTTCTCTGGGACCTTCCCCAGCACTCTGGGTGTAAGGGGCAGCCCTGGTGTACAGCCA[C>T]TCACCCCTGACATTTGCTCTGAAGGTCGTAGATCTCCTCCACTTGCACCCCCTTGACACC-3'